The following is an entry in ClinVar:

NM_006662.3(SRCAP):c.5710A>G (p.Ile1904Val)

Gene: SRCAP (Snf2 related CREBBP activator protein; plus strand). Cytogenetic location: 16p11.2.
Variant type: single nucleotide variant.
Coding change: c.5710A>G on transcript NM_006662.3 (MANE Select); coding-DNA position 5710, A replaced by G.
Protein change: p.Ile1904Val; replaces isoleucine 1904 with valine.
Molecular consequence: missense variant.
Genome position (GRCh38, 1-based): chr16:30,729,017, A>G. VCF-style: chr16-30729017-A-G. GRCh37 (hg19) VCF-style: chr16-30740338-A-G.
Other names: short protein forms I1904V.
Identifiers: ClinVar variation 3667550 (VCV003667550.2).

ClinVar aggregate classification (germline): Uncertain significance (1 of 4 stars; one submission).

Submission:

Labcorp Genetics (formerly Invitae), Labcorp
Classification: Uncertain significance. Last evaluated: 2024-12-23. Review status: criteria provided, single submitter. Criteria: Invitae Variant Classification Sherloc (09022015). Collection method: clinical testing. Allele origin: germline.
Comment: This sequence change replaces isoleucine, which is neutral and non-polar, with valine, which is neutral and non-polar, at codon 1904 of the SRCAP protein (p.Ile1904Val). This variant is not present in population databases (gnomAD no frequency). This variant has not been reported in the literature in individuals affected with SRCAP-related conditions. Invitae Evidence Modeling of protein sequence and biophysical properties (such as structural, functional, and spatial information, amino acid conservation, physicochemical variation, residue mobility, and thermodynamic stability) indicates that this missense variant is not expected to disrupt SRCAP protein function with a negative predictive value of 80%. In summary, the available evidence is currently insufficient to determine the role of this variant in disease. Therefore, it has been classified as a Variant of Uncertain Significance.